The following is an entry in ClinVar:

NM_015443.4(KANSL1):c.2206C>G (p.Leu736Val)

Gene: KANSL1 (KAT8 regulatory NSL complex subunit 1). Cytogenetic location: 17q21.31.
Variant type: single nucleotide variant.
Coding change: c.2206C>G on transcript NM_015443.4 (MANE Select); coding-DNA position 2206, C replaced by G.
Protein change: p.Leu736Val; replaces leucine 736 with valine.
Molecular consequence: missense variant.
Genome position (GRCh38, 1-based): chr17:46,039,213, G>C on the plus strand (C>G on the coding strand, the complement: KANSL1 is on the minus strand). VCF-style: chr17-46039213-G-C. GRCh37 (hg19) VCF-style: chr17-44116579-G-C.
Other names: c.2206C>G, p.Leu736Val (NM_001193465.2, NM_001193466.2, NM_001379198.1); short protein forms L736V.
Identifiers: ClinVar variation 1003549 (VCV001003549.8), dbSNP rs1568374912, ClinGen allele CA399981493.

ClinVar aggregate classification (germline): Uncertain significance (1 of 4 stars; one submission).

Conditions:
Koolen-de Vries syndrome (KDVS). Identifiers: Orphanet 96169, MedGen C1864871, MONDO:0012496, OMIM 610443.

Allele frequency attached by ClinVar (database versions not stated): gnomAD exomes below 0.00001.
gnomAD v4.1: 1 of 1,563,332 alleles (0.000064%); highest among the groups gnomAD compares: Non-Finnish European, 0.000086%; no homozygotes.

Submission:

Labcorp Genetics (formerly Invitae), Labcorp
Classification: Uncertain significance for Koolen-de Vries syndrome. Last evaluated: 2020-05-12. Review status: criteria provided, single submitter. Criteria: Invitae Variant Classification Sherloc (09022015). Collection method: clinical testing. Allele origin: germline.
Comment: In summary, the available evidence is currently insufficient to determine the role of this variant in disease. Therefore, it has been classified as a Variant of Uncertain Significance. Algorithms developed to predict the effect of sequence changes on RNA splicing suggest that this variant may create or strengthen a splice site, but this prediction has not been confirmed by published transcriptional studies. Algorithms developed to predict the effect of missense changes on protein structure and function (SIFT, PolyPhen-2, Align-GVGD) all suggest that this variant is likely to be tolerated, but these predictions have not been confirmed by published functional studies and their clinical significance is uncertain. This variant has not been reported in the literature in individuals with KANSL1-related conditions. This variant is not present in population databases (ExAC no frequency). This sequence change replaces leucine with valine at codon 736 of the KANSL1 protein (p.Leu736Val). The leucine residue is moderately conserved and there is a small physicochemical difference between leucine and valine.